The following is an entry in ClinVar:

NM_001243279.3(ACSF3):c.755A>G (p.Asn252Ser)

Gene: ACSF3 (acyl-CoA synthetase family member 3; plus strand). Cytogenetic location: 16q24.3.
Variant type: single nucleotide variant.
Coding change: c.755A>G on transcript NM_001243279.3 (MANE Select); coding-DNA position 755, A replaced by G.
Protein change: p.Asn252Ser; replaces asparagine 252 with serine.
Molecular consequence: missense variant. On other transcripts: 5 prime UTR variant (1), non-coding transcript variant (3).
Genome position (GRCh38, 1-based): chr16:89,102,692, A>G. VCF-style: chr16-89102692-A-G. GRCh37 (hg19) VCF-style: chr16-89169100-A-G.
Other names: c.755A>G, p.Asn252Ser (NM_001127214.4, NM_174917.5); c.-41A>G (NM_001284316.2); short protein forms N252S.
Identifiers: ClinVar variation 2068013 (VCV002068013.3), dbSNP rs373246881, ClinGen allele CA8237781.

ClinVar aggregate classification (germline): Uncertain significance (1 of 4 stars; one submission).

Conditions:
Combined malonic and methylmalonic acidemia. Identifiers: Orphanet 289504, MedGen C3280314, MONDO:0013661, OMIM 614265.

Allele frequency attached by ClinVar (database versions not stated): ExAC 0.00002; TOPMed below 0.00001; ESP Exome Variant Server 0.00008.
gnomAD v4.1: 15 of 1,612,818 alleles (0.00093%); highest among the groups gnomAD compares: Non-Finnish European, 0.0011%; no homozygotes.

Submission:

Labcorp Genetics (formerly Invitae), Labcorp
Classification: Uncertain significance for Combined malonic and methylmalonic acidemia. Last evaluated: 2024-11-01. Review status: criteria provided, single submitter. Criteria: Invitae Variant Classification Sherloc (09022015). Collection method: clinical testing. Allele origin: germline.
Comment: This sequence change replaces asparagine, which is neutral and polar, with serine, which is neutral and polar, at codon 252 of the ACSF3 protein (p.Asn252Ser). This variant is present in population databases (rs373246881, gnomAD 0.01%). This variant has not been reported in the literature in individuals affected with ACSF3-related conditions. ClinVar contains an entry for this variant (Variation ID: 2068013). Invitae Evidence Modeling of protein sequence and biophysical properties (such as structural, functional, and spatial information, amino acid conservation, physicochemical variation, residue mobility, and thermodynamic stability) has been performed for this missense variant. However, the output from this modeling did not meet the statistical confidence thresholds required to predict the impact of this variant on ACSF3 protein function. In summary, the available evidence is currently insufficient to determine the role of this variant in disease. Therefore, it has been classified as a Variant of Uncertain Significance.